The following is an entry in ClinVar:

ClinVar aggregate classification (germline): Uncertain significance. Review status: criteria provided, multiple submitters, no conflicts (2 of 4 stars). 2 submissions from 2 submitters: Uncertain significance (2). Last evaluated 2024-11-11.

Conditions:
Inborn genetic diseases. Identifiers: MedGen C0950123, MeSH D030342.
Nephronophthisis 18 (NPHP18). Identifiers: Orphanet 655, MedGen C3890591, MONDO:0014374, OMIM 615862.

Submissions (2):

Labcorp Genetics (formerly Invitae), Labcorp
Classification: Uncertain significance for Nephronophthisis 18. Last evaluated: 2024-11-11. Review status: criteria provided, single submitter. Criteria: Invitae Variant Classification Sherloc (09022015). Collection method: clinical testing. Allele origin: germline.
Comment: This sequence change replaces methionine, which is neutral and non-polar, with isoleucine, which is neutral and non-polar, at codon 654 of the CEP83 protein (p.Met654Ile). This variant is not present in population databases (gnomAD no frequency). This variant has not been reported in the literature in individuals affected with CEP83-related conditions. ClinVar contains an entry for this variant (Variation ID: 2015604). Invitae Evidence Modeling of protein sequence and biophysical properties (such as structural, functional, and spatial information, amino acid conservation, physicochemical variation, residue mobility, and thermodynamic stability) indicates that this missense variant is not expected to disrupt CEP83 protein function with a negative predictive value of 80%. In summary, the available evidence is currently insufficient to determine the role of this variant in disease. Therefore, it has been classified as a Variant of Uncertain Significance.

Ambry Genetics
Classification: Uncertain significance for Inborn genetic diseases. Last evaluated: 2024-10-01. Review status: criteria provided, single submitter. Criteria: Ambry Variant Classification Scheme 2023. Collection method: clinical testing. Allele origin: germline.

NM_016122.3(CEP83):c.1962G>A (p.Met654Ile)

Gene: CEP83 (centrosomal protein 83; minus strand). Cytogenetic location: 12q22.
Variant type: single nucleotide variant.
Coding change: c.1962G>A on transcript NM_016122.3 (MANE Select); coding-DNA position 1962, G replaced by A.
Protein change: p.Met654Ile; replaces methionine 654 with isoleucine.
Molecular consequence: missense variant. On other transcripts: non-coding transcript variant (2).
Genome position (GRCh38, 1-based): chr12:94,309,957, C>T on the plus strand (G>A on the coding strand, the complement: CEP83 is on the minus strand). VCF-style: chr12-94309957-C-T. GRCh37 (hg19) VCF-style: chr12-94703733-C-T.
Other names: c.1962G>A (NM_016122.2); c.1962G>A, p.Met654Ile (NM_001042399.2, NM_001346457.2, NM_001368037.1 and 1 more transcripts); c.1650G>A, p.Met550Ile (NM_001346458.2, NM_001346459.2, NM_001368039.1 and 1 more transcripts); c.1737G>A, p.Met579Ile (NM_001368041.1); short protein forms M579I, M550I, M654I.
Identifiers: ClinVar variation 2015604 (VCV002015604.5), dbSNP rs2541064185, ClinGen allele CA386046259.